The following is an entry in ClinVar:

NM_002470.4(MYH3):c.1411-243A>T

Gene: MYH3 (myosin heavy chain 3; minus strand). Cytogenetic location: 17p13.1.
Variant type: single nucleotide variant.
Coding change: c.1411-243A>T on transcript NM_002470.4 (MANE Select); 243 bases into the intron before coding-DNA position 1411, A replaced by T.
Molecular consequence: intron variant.
Genome position (GRCh38, 1-based): chr17:10,643,239, T>A on the plus strand (A>T on the coding strand, the complement: MYH3 is on the minus strand). VCF-style: chr17-10643239-T-A. GRCh37 (hg19) VCF-style: chr17-10546556-T-A.
Identifiers: ClinVar variation 3030924 (VCV003030924.2), dbSNP rs766982866, ClinGen allele CA287788292.

ClinVar aggregate classification (germline): Likely benign (0 of 4 stars; one submission).

Conditions:
MYH3-related disorder. Also called: MYH3-Related Disorders; MYH3-related condition. Identifiers: MedGen CN239329.

Allele frequency attached by ClinVar (database versions not stated): TOPMed 0.00010; gnomAD 0.00011.
gnomAD v4.1: 17 of 152,230 alleles (0.011%); highest among the groups gnomAD compares: Non-Finnish European, 0.019%; no homozygotes.

Submission:

PreventionGenetics, part of Exact Sciences
Classification: Likely benign for MYH3-related condition. Last evaluated: 2023-12-13. Review status: no assertion criteria provided. Collection method: clinical testing. Allele origin: germline.
Comment: This variant is classified as likely benign based on ACMG/AMP sequence variant interpretation guidelines (Richards et al. 2015 PMID: 25741868, with internal and published modifications).